The following is an entry in ClinVar:

NM_002471.4(MYH6):c.4404G>C (p.Glu1468Asp)

Gene: MYH6 (myosin heavy chain 6; minus strand). Cytogenetic location: 14q11.2.
Variant type: single nucleotide variant.
Coding change: c.4404G>C on transcript NM_002471.4 (MANE Select); coding-DNA position 4404, G replaced by C.
Protein change: p.Glu1468Asp; replaces glutamic acid 1468 with aspartic acid.
Molecular consequence: missense variant.
Genome position (GRCh38, 1-based): chr14:23,387,879, C>G on the plus strand (G>C on the coding strand, the complement: MYH6 is on the minus strand). VCF-style: chr14-23387879-C-G. GRCh37 (hg19) VCF-style: chr14-23857088-C-G.
Other names: short protein forms E1468D.
Identifiers: ClinVar variation 2802921 (VCV002802921.3), dbSNP rs1274950434, ClinGen allele CA388997802.

ClinVar aggregate classification (germline): Uncertain significance (1 of 4 stars; one submission).

Conditions:
Hypertrophic cardiomyopathy 14. Identifiers: MedGen C2750467, MONDO:0013197, OMIM 613251.

Allele frequency attached by ClinVar (database versions not stated): TOPMed below 0.00001; gnomAD exomes 0.00001.
gnomAD v4.1: 4 of 1,614,096 alleles (0.00025%); highest among the groups gnomAD compares: South Asian, 0.0044%; no homozygotes.

Submission:

Labcorp Genetics (formerly Invitae), Labcorp
Classification: Uncertain significance for Hypertrophic cardiomyopathy 14. Last evaluated: 2024-05-14. Review status: criteria provided, single submitter. Criteria: Invitae Variant Classification Sherloc (09022015). Collection method: clinical testing. Allele origin: germline.
Comment: This sequence change replaces glutamic acid, which is acidic and polar, with aspartic acid, which is acidic and polar, at codon 1468 of the MYH6 protein (p.Glu1468Asp). This variant is present in population databases (no rsID available, gnomAD 0.007%). This variant has not been reported in the literature in individuals affected with MYH6-related conditions. Advanced modeling of protein sequence and biophysical properties (such as structural, functional, and spatial information, amino acid conservation, physicochemical variation, residue mobility, and thermodynamic stability) performed at Invitae indicates that this missense variant is not expected to disrupt MYH6 protein function with a negative predictive value of 80%. In summary, the available evidence is currently insufficient to determine the role of this variant in disease. Therefore, it has been classified as a Variant of Uncertain Significance.